The following is an entry in ClinVar:

ClinVar aggregate classification (germline): Uncertain significance (1 of 4 stars; one submission).

Conditions:
Inborn genetic diseases. Identifiers: MedGen C0950123, MeSH D030342.

Allele frequency attached by ClinVar (database versions not stated): TOPMed below 0.00001.

Submission:

Ambry Genetics
Classification: Uncertain significance for Inborn genetic diseases. Last evaluated: 2024-03-10. Review status: criteria provided, single submitter. Criteria: Ambry Variant Classification Scheme 2023. Collection method: clinical testing. Allele origin: germline.
Comment: The p.V801I variant (also known as c.2401G>A), located in coding exon 19 of the BUB1B gene, results from a G to A substitution at nucleotide position 2401. The valine at codon 801 is replaced by isoleucine, an amino acid with highly similar properties. This amino acid position is conserved. In addition, this alteration is predicted to be tolerated by in silico analysis. Based on the available evidence, the clinical significance of this alteration remains unclear.

NM_001211.6(BUB1B):c.2401G>A (p.Val801Ile)

Gene: BUB1B (BUB1 mitotic checkpoint serine/threonine kinase B; plus strand). Cytogenetic location: 15q15.1.
Variant type: single nucleotide variant.
Coding change: c.2401G>A on transcript NM_001211.6 (MANE Select); coding-DNA position 2401, G replaced by A.
Protein change: p.Val801Ile; replaces valine 801 with isoleucine.
Molecular consequence: missense variant.
Genome position (GRCh38, 1-based): chr15:40,212,514, G>A. VCF-style: chr15-40212514-G-A. GRCh37 (hg19) VCF-style: chr15-40504715-G-A.
Other names: short protein forms V801I.
Identifiers: ClinVar variation 3221385 (VCV003221385.1), dbSNP rs1178541871, ClinGen allele CA391695128.
Genomic context (GRCh38, chr15:40,212,514, plus strand): 5'-CCATAGACTTAACTGAACTTATTTTTAAAATACAATGTCTTACAGGTATCTTCTCAACCT[G>A]TCCCATGGGACTTTTATATCAACCTCAAGTTAAAGGAACGTTTAAATGAAGATTTTGATC-3'
Protein context (NP_001202.5, residues 791-811): LTVIKVSSQP[Val801Ile]PWDFYINLKL